The following is an entry in ClinVar:

ClinVar aggregate classification (germline): Uncertain significance (1 of 4 stars; one submission).

Conditions:
Neuropathy, hereditary motor and sensory, type 6B (HMSN6B). Also called: NEUROPATHY, HEREDITARY MOTOR AND SENSORY, TYPE VIB, WITH OPTIC ATROPHY; Neuropathy, hereditary motor and sensory, type VIB; HMSN VIB; CHARCOT-MARIE-TOOTH DISEASE, TYPE 6B. Identifiers: MedGen C4225302, MONDO:0014671, OMIM 616505.

Allele frequency attached by ClinVar (database versions not stated): TOPMed below 0.00001; gnomAD 0.00001.
gnomAD v4.1: 3 of 1,565,664 alleles (0.00019%); highest among the groups gnomAD compares: Non-Finnish European, 0.00026%; no homozygotes.

Submission:

Labcorp Genetics (formerly Invitae), Labcorp
Classification: Uncertain significance for Neuropathy, hereditary motor and sensory, type 6B. Last evaluated: 2019-07-17. Review status: criteria provided, single submitter. Criteria: Invitae Variant Classification Sherloc (09022015). Collection method: clinical testing. Allele origin: germline.
Comment: This sequence change replaces serine with cysteine at codon 70 of the SLC25A46 protein (p.Ser70Cys). The serine residue is weakly conserved and there is a moderate physicochemical difference between serine and cysteine. This variant is not present in population databases (ExAC no frequency). This variant has not been reported in the literature in individuals with SLC25A46-related conditions. Algorithms developed to predict the effect of missense changes on protein structure and function (SIFT, PolyPhen-2, Align-GVGD) all suggest that this variant is likely to be tolerated, but these predictions have not been confirmed by published functional studies and their clinical significance is uncertain. In summary, the available evidence is currently insufficient to determine the role of this variant in disease. Therefore, it has been classified as a Variant of Uncertain Significance.

NM_138773.4(SLC25A46):c.209C>G (p.Ser70Cys)

Gene: SLC25A46 (solute carrier family 25 member 46; plus strand). Cytogenetic location: 5q22.1.
Variant type: single nucleotide variant.
Coding change: c.209C>G on transcript NM_138773.4 (MANE Select); coding-DNA position 209, C replaced by G.
Protein change: p.Ser70Cys; replaces serine 70 with cysteine.
Molecular consequence: missense variant. On other transcripts: non-coding transcript variant (1), intron variant (1).
Genome position (GRCh38, 1-based): chr5:110,739,328, C>G. VCF-style: chr5-110739328-C-G. GRCh37 (hg19) VCF-style: chr5-110075029-C-G.
Other names: c.209C>G, p.Ser70Cys (NM_001303249.3); c.10+1081C>G (NM_001303250.3); short protein forms S70C.
Identifiers: ClinVar variation 953657 (VCV000953657.10), dbSNP rs904962071, ClinGen allele CA125342542.